The following is an entry in ClinVar:

NM_006642.5(SDCCAG8):c.1646T>C (p.Phe549Ser)

Gene: SDCCAG8 (SHH signaling and ciliogenesis regulator SDCCAG8; plus strand). Cytogenetic location: 1q43.
Variant type: single nucleotide variant.
Coding change: c.1646T>C on transcript NM_006642.5 (MANE Select); coding-DNA position 1646, T replaced by C.
Protein change: p.Phe549Ser; replaces phenylalanine 549 with serine.
Molecular consequence: missense variant.
Genome position (GRCh38, 1-based): chr1:243,415,731, T>C. VCF-style: chr1-243415731-T-C. GRCh37 (hg19) VCF-style: chr1-243579033-T-C.
Other names: c.743T>C, p.Phe248Ser (NM_001350246.2, NM_001350247.2, NM_001350251.2); c.1742T>C, p.Phe581Ser (NM_001350248.2); c.1352T>C, p.Phe451Ser (NM_001350249.2); short protein forms F248S, F451S, F549S, F581S.
Identifiers: ClinVar variation 1026726 (VCV001026726.8), dbSNP rs2080530513, ClinGen allele CA345667134.
Genomic context (GRCh38, chr1:243,415,731, plus strand): 5'-AATTTCTGTATGTCTCCTCTCTGTTTTGCAGACAGGAAAAAGATAGCATTCAGCAGAGCT[T>C]TAGCAAGGAAGCAAAGGCCCAAGCCCTTCAGGCCCAGCAAAGAGAGCAGGAGCTGACACA-3'
Protein context (NP_006633.1, residues 539-559): RQEKDSIQQS[Phe549Ser]SKEAKAQALQ

ClinVar aggregate classification (germline): Uncertain significance (1 of 4 stars; one submission).

Conditions:
Senior-Loken syndrome 7 (SLSN7). Identifiers: Orphanet 3156, MedGen C3150877, MONDO:0013326, OMIM 613615.
Bardet-Biedl syndrome 16 (BBS16). Identifiers: Orphanet 110, MedGen C3889474, MONDO:0014444, OMIM 615993.

Submission:

Labcorp Genetics (formerly Invitae), Labcorp
Classification: Uncertain significance for Bardet-Biedl syndrome 16; Senior-Loken syndrome 7. Last evaluated: 2020-10-27. Review status: criteria provided, single submitter. Criteria: Invitae Variant Classification Sherloc (09022015). Collection method: clinical testing. Allele origin: germline.
Comment: This variant is not present in population databases (ExAC no frequency). This sequence change replaces phenylalanine with serine at codon 549 of the SDCCAG8 protein (p.Phe549Ser). The phenylalanine residue is moderately conserved and there is a large physicochemical difference between phenylalanine and serine. This variant has not been reported in the literature in individuals with SDCCAG8-related conditions. In summary, the available evidence is currently insufficient to determine the role of this variant in disease. Therefore, it has been classified as a Variant of Uncertain Significance. Algorithms developed to predict the effect of missense changes on protein structure and function are either unavailable or do not agree on the potential impact of this missense change (SIFT: "Deleterious"; PolyPhen-2: "Possibly Damaging"; Align-GVGD: "Class C0").